The following is an entry in ClinVar:

ClinVar aggregate classification (germline): Likely benign (0 of 4 stars; one submission).

Conditions:
PTPRJ-related disorder. Also called: PTPRJ-related condition.

Allele frequency attached by ClinVar (database versions not stated): TOPMed 0.00002; gnomAD 0.00005; 1000 Genomes Project 30x 0.00016; ExAC 0.00016; 1000 Genomes Project 0.00020.
gnomAD v4.1: 105 of 1,613,860 alleles (0.0065%); highest among the groups gnomAD compares: South Asian, 0.076%; no homozygotes.

Submission:

PreventionGenetics, part of Exact Sciences
Classification: Likely benign for PTPRJ-related condition. Last evaluated: 2019-03-12. Review status: no assertion criteria provided. Collection method: clinical testing. Allele origin: germline.
Comment: This variant is classified as likely benign based on ACMG/AMP sequence variant interpretation guidelines (Richards et al. 2015 PMID: 25741868, with internal and published modifications).

NM_002843.4(PTPRJ):c.3792C>T (p.Thr1264=)

Gene: PTPRJ (protein tyrosine phosphatase receptor type J; plus strand). Cytogenetic location: 11p11.2.
Variant type: single nucleotide variant.
Coding change: c.3792C>T on transcript NM_002843.4 (MANE Select); coding-DNA position 3792, C replaced by T.
Protein change: p.Thr1264=; no amino-acid change (threonine 1264 retained).
Molecular consequence: synonymous variant.
Genome position (GRCh38, 1-based): chr11:48,164,452, C>T. VCF-style: chr11-48164452-C-T. GRCh37 (hg19) VCF-style: chr11-48186004-C-T.
Identifiers: ClinVar variation 3057828 (VCV003057828.2), dbSNP rs537257163, ClinGen allele CA5982863.